The following is an entry in ClinVar:

NM_033056.4(PCDH15):c.5347_5363del (p.Pro1783fs)

Gene: PCDH15 (protocadherin related 15; minus strand). Cytogenetic location: 10q21.1.
Variant type: Deletion.
Coding change: c.5347_5363del on transcript NM_033056.4 (MANE Plus Clinical); coding-DNA positions 5347 to 5363, 17 bases deleted (CCTCCTTCTATCCCTCT).
Protein change: p.Pro1783fs; shifts the reading frame from proline 1783.
Molecular consequence: frameshift variant. On other transcripts: intron variant (8).
Genome position (GRCh38, 1-based): chr10:53,822,363-53,822,379, AGAGGGATAGAAGGAGG deleted on the plus strand (CCTCCTTCTATCCCTCT on the coding strand, the reverse complement: PCDH15 is on the minus strand); deleting any 17 consecutive bases within chr10:53,822,363-53,822,386 gives the same sequence; the c. name uses the placement nearest the transcript's 3' end. VCF-style (leftmost placement, unchanged base first): chr10-53822362-AAGAGGGATAGAAGGAGG-A. GRCh37 (hg19) VCF-style: chr10-55582122-AAGAGGGATAGAAGGAGG-A.
Other names: c.5347_5363del (NM_033056.3); c.4368-2149_4368-2133del (NM_001384140.1); c.4373+2757_4373+2773del (NM_001142772.2, NM_001142770.3); c.4388+2757_4388+2773del (NM_001142771.2); c.4388+5014_4388+5030del (NM_001354411.2); c.4409+2757_4409+2773del (NM_001142769.3); c.5368_5384del, p.Pro1790fs (NM_001142763.2); c.5353_5369del, p.Pro1785fs (NM_001142764.2); and 10 more; short protein forms P1761fs, P1780fs, P1790fs, P1714fs, P1763fs, P1785fs, P1743fs, P1760fs.
Identifiers: ClinVar variation 555843 (VCV000555843.27), dbSNP rs748086016, ClinGen allele CA5505059.
Genomic context (GRCh38, chr10:53,822,362, plus strand): 5'-TGGTGTTGGGGGACCAGACGTTGAAACGGAAAGTGGAAAAAATGTAGGAGGAGGAAGAGG[AAGAGGGATAGAAGGAGG>A]AGAGGGAGGAGGACAAAAAAGAGAAAAAGGAGAAATGTCAGGAGGAGGAGCAAGAGGAGC-3'

ClinVar aggregate classification (germline): Conflicting classifications of pathogenicity. Review status: criteria provided, conflicting classifications (1 of 4 stars). 9 submissions from 9 submitters: Likely pathogenic (2); Uncertain significance (3); Likely benign (2). 2 of the submissions do not count toward it. Last evaluated 2026-05-13.

Conditions:
PCDH15-related disorder. Also called: PCDH15-related condition; PCDH15-related disorders.
Usher syndrome type 1F (USH1F). Also called: USHER SYNDROME, TYPE IF. Identifiers: Orphanet 231169, Orphanet 886, MedGen C1865885, MONDO:0011186, OMIM 602083.

Submissions (9):

PreventionGenetics, part of Exact Sciences
Classification: Uncertain significance for PCDH15-related condition. Last evaluated: 2026-05-13. Review status: criteria provided, single submitter. Criteria: ACMG Guidelines, 2015. Collection method: clinical testing. Allele origin: germline.
Comment: The PCDH15 c.5347_5363del17 variant is predicted to result in a frameshift and premature protein termination (p.Pro1783Serfs*59). To our knowledge, this variant has not been reported in the literature. This variant is reported in 0.040% of alleles in individuals of Latino descent in gnomAD, including two homozygotes. This variant occurs in the last exon of the PCDH15 alternatively spliced transcript known as CD1 (NM_033056), but this exon is not required for proper inner ear hair cell function and maintenance of hearing and is not included in the biologically relevant transcript for hearing loss known as CD2 (NM_001142769; Webb et al. 2011. PubMed ID: 21427143; Pepermans et al. 2014. PubMed ID: 24940003). Furthermore, loss of function variants in this exon of CD1 have been shown to occur at population frequencies inconsistent with pathogenicity (Perreault-Micale et al. 2014. PubMed ID: 25307757). Although we suspect that this variant may be benign, at this time, the clinical significance of this variant is uncertain due to the absence of conclusive functional and genetic evidence.

GeneDx
Classification: Uncertain significance. Last evaluated: 2026-01-08. Review status: criteria provided, single submitter. Criteria: GeneDx Variant Classification Process June 2021. Collection method: clinical testing. Allele origin: germline.
Comment: Frameshift variant predicted to result in abnormal protein length as the last 173 amino acids are replaced with 58 different amino acids, and other similar variants have been reported in HGMD; Has not been previously published as pathogenic or benign to our knowledge

Labcorp Genetics (formerly Invitae), Labcorp
Classification: Likely benign. Last evaluated: 2025-03-26. Review status: criteria provided, single submitter. Criteria: Invitae Variant Classification Sherloc (09022015). Collection method: clinical testing. Allele origin: germline.

Revvity Omics, Revvity
Classification: Likely pathogenic. Last evaluated: 2024-10-01. Review status: criteria provided, single submitter. Criteria: ACMG Guidelines, 2015. Collection method: clinical testing. Allele origin: germline.

Women's Health and Genetics/Laboratory Corporation of America, LabCorp
Classification: Likely benign. Last evaluated: 2024-08-02. Review status: criteria provided, single submitter. Criteria: LabCorp Variant Classification Summary - May 2015. Collection method: clinical testing. Allele origin: germline.
Comment: Variant summary: PCDH15 c.5347_5363del17 (p.Pro1783SerfsX59) results in a premature termination codon, predicted to cause a truncation of the encoded protein or absence of the protein due to nonsense mediated decay, which are commonly known mechanisms for disease. The variant allele was found at a frequency of 0.00011 in 189612 control chromosomes in the gnomAD database, including 2 homozygotes. This frequency is not significantly higher than estimated for a pathogenic variant in PCDH15 causing Usher Syndrome Type 1F (0.00011 vs 0.0032), allowing no conclusion about variant significance. To our knowledge, no occurrence of c.5347_5363del17 in individuals affected with Usher Syndrome Type 1F and no experimental evidence demonstrating its impact on protein function have been reported. However, an upstream truncating variant NM_033056.4:c.4831_4834dup (p.Thr1612fs) has been universally classified as Likely Benign/Benign by at least 5 laboratories in ClinVar and has a gnomAD frequency of ~1% in the African/African American subpopulation, including 4 homozygotes. These data suggest the C-terminal region downstream of p.Thr1612 may be dispensable for PCDH15 function. ClinVar contains an entry for this variant (Variation ID: 555843). Based on the evidence outlined above, the variant was classified as likely benign.

Blueprint Genetics
Classification: Uncertain significance. Last evaluated: 2021-09-23. Review status: criteria provided, single submitter. Criteria: ACMG Guidelines, 2015. Collection method: clinical testing. Allele origin: germline.

GeneID Lab - Advanced Molecular Diagnostics
Classification: Likely pathogenic for Usher Syndrome, type 1F. Last evaluated: 2018-03-10. Review status: criteria provided, single submitter. Criteria: ACMG Guidelines, 2015. Collection method: clinical testing. Allele origin: germline. Affected: no. Observed: 1 variant allele.
Comment: This variant results in an amino acid alteration replacing a proline (P) with a serine (S) at position 1783 creating a premature stop signal in the new reading frame noted as p.R80Pfs*69. The substitution is predicted to result in a non-functional PDCH15 protein, either through protein truncation or nonsense-mediated mRNA decay. This mutation is considered a non-tolerated amino acid change based on in silico prediction algorithms (disease causing), and it has not been reported in the ClinVar Database (NCBI National Library of Medicine, NIH, Bethesda MD), but it has been described in 12 alleles out of 50254, in the ExAC database, all of them belonging to heterozygous carries of Latino origin. Based on these findings and the limited literature regarding this substitution we consider it as a likely pathogenic variant.

Natera, Inc.
Classification: Likely benign for Usher syndrome type 1F. Last evaluated: 2020-08-19. Review status: no assertion criteria provided. Collection method: clinical testing. Allele origin: germline. Not counted in ClinVar's aggregate classification.

Counsyl
Classification: Uncertain significance for Usher syndrome type 1F. Last evaluated: 2017-12-28. Review status: no assertion criteria provided. Collection method: clinical testing. Allele origin: unknown. Not counted in ClinVar's aggregate classification.